The following is an entry in ClinVar:

NM_000489.6(ATRX):c.2389T>C (p.Ser797Pro)

Gene: ATRX (ATRX chromatin remodeler; minus strand). Cytogenetic location: Xq21.1.
Variant type: single nucleotide variant.
Coding change: c.2389T>C on transcript NM_000489.6 (MANE Select); coding-DNA position 2389, T replaced by C.
Protein change: p.Ser797Pro; replaces serine 797 with proline.
Molecular consequence: missense variant.
Genome position (GRCh38, 1-based): chrX:77,682,867, A>G on the plus strand (T>C on the coding strand, the complement: ATRX is on the minus strand). VCF-style: chrX-77682867-A-G. GRCh37 (hg19) VCF-style: chrX-76938359-A-G.
Other names: c.2275T>C, p.Ser759Pro (NM_138270.5); short protein forms S759P, S797P.
Identifiers: ClinVar variation 1515063 (VCV001515063.8), dbSNP rs782418110, ClinGen allele CA413712519.

ClinVar aggregate classification (germline): Uncertain significance (1 of 4 stars; one submission).

Conditions:
Alpha thalassemia-X-linked intellectual disability syndrome (ATRX). Also called: X-linked alpha-thalassemia-mental retardation syndrome; ALPHA-THALASSEMIA/IMPAIRED INTELLECTUAL DEVELOPMENT SYNDROME, X-LINKED; ALPHA-THALASSEMIA/MENTAL RETARDATION SYNDROME, X-LINKED; ATR, NONDELETION TYPE; ATR-X syndrome; Alpha thalassemia mental retardation syndrome, nondeletion type, X-linked. Identifiers: Orphanet 847, MedGen C1845055, MONDO:0010519, OMIM 301040.

Allele frequency attached by ClinVar (database versions not stated): TOPMed below 0.00001; gnomAD 0.00001.
gnomAD v4.1: 1 of 1,207,136 alleles (0.000083%); highest among the groups gnomAD compares: Non-Finnish European, 0.00011%; no homozygotes.

Submission:

Labcorp Genetics (formerly Invitae), Labcorp
Classification: Uncertain significance for Alpha thalassemia-X-linked intellectual disability syndrome. Last evaluated: 2021-01-19. Review status: criteria provided, single submitter. Criteria: Invitae Variant Classification Sherloc (09022015). Collection method: clinical testing. Allele origin: germline.
Comment: This sequence change replaces serine with proline at codon 797 of the ATRX protein (p.Ser797Pro). The serine residue is moderately conserved and there is a moderate physicochemical difference between serine and proline. This variant is not present in population databases (ExAC no frequency). In summary, the available evidence is currently insufficient to determine the role of this variant in disease. Therefore, it has been classified as a Variant of Uncertain Significance. Advanced modeling of protein sequence and biophysical properties (such as structural, functional, and spatial information, amino acid conservation, physicochemical variation, residue mobility, and thermodynamic stability) performed at Invitae indicates that this missense variant is not expected to disrupt ATRX protein function. This variant has not been reported in the literature in individuals with ATRX-related conditions.